The following is an entry in ClinVar:

NM_024642.5(GALNT12):c.1213G>C (p.Glu405Gln)

Gene: GALNT12 (polypeptide N-acetylgalactosaminyltransferase 12; plus strand). Cytogenetic location: 9q22.33.
Variant type: single nucleotide variant.
Coding change: c.1213G>C on transcript NM_024642.5 (MANE Select); coding-DNA position 1213, G replaced by C.
Protein change: p.Glu405Gln; replaces glutamic acid 405 with glutamine.
Molecular consequence: missense variant.
Genome position (GRCh38, 1-based): chr9:98,840,002, G>C. VCF-style: chr9-98840002-G-C. GRCh37 (hg19) VCF-style: chr9-101602284-G-C.
Other names: short protein forms E405Q.
Identifiers: ClinVar variation 4261500 (VCV004261500.1).

ClinVar aggregate classification (germline): Uncertain significance (1 of 4 stars; one submission).

Submission:

Ambry Genetics
Classification: Uncertain significance. Last evaluated: 2025-08-14. Review status: criteria provided, single submitter. Criteria: Ambry Variant Classification Scheme 2023. Collection method: clinical testing. Allele origin: germline.
Comment: The p.E405Q variant (also known as c.1213G>C) is located in coding exon 7 of the GALNT12 gene. The glutamic acid at codon 405 is replaced by glutamine, an amino acid with highly similar properties. This change occurs in the first base pair of coding exon 7. This amino acid position is conserved. In addition, the in silico prediction for this alteration is inconclusive. Based on the available evidence, the clinical significance of this variant remains unclear.